The following is an entry in ClinVar:

NM_004560.4(ROR2):c.1868T>C (p.Val623Ala)

Gene: ROR2 (receptor tyrosine kinase like orphan receptor 2; minus strand). Cytogenetic location: 9q22.31.
Variant type: single nucleotide variant.
Coding change: c.1868T>C on transcript NM_004560.4 (MANE Select); coding-DNA position 1868, T replaced by C.
Protein change: p.Val623Ala; replaces valine 623 with alanine.
Molecular consequence: missense variant.
Genome position (GRCh38, 1-based): chr9:91,724,626, A>G on the plus strand (T>C on the coding strand, the complement: ROR2 is on the minus strand). VCF-style: chr9-91724626-A-G. GRCh37 (hg19) VCF-style: chr9-94486908-A-G.
Other names: short protein forms V623A.
Identifiers: ClinVar variation 546195 (VCV000546195.2), dbSNP rs756550177, ClinGen allele CA5120543.

ClinVar aggregate classification (germline): Likely pathogenic (1 of 4 stars; one submission).

Allele frequency attached by ClinVar (database versions not stated): gnomAD exomes below 0.00001 and 0.00001; ExAC 0.00001.
gnomAD v4.1: 12 of 1,614,200 alleles (0.00074%); highest among the groups gnomAD compares: East Asian, 0.0022%; no homozygotes.

Submission:

GeneDx
Classification: Likely pathogenic. Last evaluated: 2018-05-15. Review status: criteria provided, single submitter. Criteria: GeneDx Variant Classification (06012015). Collection method: clinical testing. Allele origin: germline. Affected: yes.
Comment: The V623A variant in the ROR2 gene has not been reported previously as a pathogenic variant, nor as a benign variant, to our knowledge. The V623A variant is not observed at a significant frequency in large population cohorts (Lek et al., 2016). The V623A variant is a conservative amino acid substitution, which is not likely to impact secondary protein structure as these residues share similar properties. In-silico analyses, including protein predictors and evolutionary conservation, support a deleterious effect. We interpret V623A as a likely pathogenic variant.